The following is an entry in ClinVar:

ClinVar aggregate classification (germline): Uncertain significance. Review status: criteria provided, multiple submitters, no conflicts (2 of 4 stars). 2 submissions from 2 submitters: Uncertain significance (2). Last evaluated 2024-05-16.

Conditions:
Spermatogenic failure 46. Identifiers: MedGen C5436799, MONDO:0033673, OMIM 619095.
Primary ciliary dyskinesia. Also called: Ciliary dyskinesia. Identifiers: Orphanet 244, MedGen C0008780, MONDO:0016575, HP:0012265.

Allele frequency attached by ClinVar (database versions not stated): gnomAD 0.00001; TOPMed 0.00001; ExAC 0.00004; gnomAD exomes 0.00006; ESP Exome Variant Server 0.00015.
gnomAD v4.1: 88 of 1,610,870 alleles (0.0055%); highest among the groups gnomAD compares: Middle Eastern, 0.016%; no homozygotes.

Submissions (2):

Fulgent Genetics
Classification: Uncertain significance for Spermatogenic failure 46. Last evaluated: 2024-05-16. Review status: criteria provided, single submitter. Criteria: ACMG Guidelines, 2015. Collection method: clinical testing. Allele origin: germline.

Labcorp Genetics (formerly Invitae), Labcorp
Classification: Uncertain significance for Primary ciliary dyskinesia. Last evaluated: 2024-01-22. Review status: criteria provided, single submitter. Criteria: Invitae Variant Classification Sherloc (09022015). Collection method: clinical testing. Allele origin: germline.
Comment: This sequence change replaces threonine, which is neutral and polar, with alanine, which is neutral and non-polar, at codon 4201 of the DNAH8 protein (p.Thr4201Ala). This variant is present in population databases (rs139379184, gnomAD 0.01%). This variant has not been reported in the literature in individuals affected with DNAH8-related conditions. Advanced modeling of protein sequence and biophysical properties (such as structural, functional, and spatial information, amino acid conservation, physicochemical variation, residue mobility, and thermodynamic stability) performed at Invitae indicates that this missense variant is not expected to disrupt DNAH8 protein function with a negative predictive value of 80%. In summary, the available evidence is currently insufficient to determine the role of this variant in disease. Therefore, it has been classified as a Variant of Uncertain Significance.

NM_001206927.2(DNAH8):c.12601A>G (p.Thr4201Ala)

Gene: DNAH8 (dynein axonemal heavy chain 8; plus strand). Cytogenetic location: 6p21.2.
Variant type: single nucleotide variant.
Coding change: c.12601A>G on transcript NM_001206927.2 (MANE Select); coding-DNA position 12601, A replaced by G.
Protein change: p.Thr4201Ala; replaces threonine 4201 with alanine.
Molecular consequence: missense variant.
Genome position (GRCh38, 1-based): chr6:38,973,736, A>G. VCF-style: chr6-38973736-A-G. GRCh37 (hg19) VCF-style: chr6-38941512-A-G.
Other names: c.11950A>G, p.Thr3984Ala (NM_001371.4); short protein forms T3984A, T4201A.
Identifiers: ClinVar variation 2716994 (VCV002716994.4), dbSNP rs139379184, ClinGen allele CA3791408.